The following is an entry in ClinVar:

NM_017777.4(MKS1):c.1435C>A (p.Arg479Ser)

Gene: MKS1 (MKS transition zone complex subunit 1; minus strand). Cytogenetic location: 17q22.
Variant type: single nucleotide variant.
Coding change: c.1435C>A on transcript NM_017777.4 (MANE Select); coding-DNA position 1435, C replaced by A.
Protein change: p.Arg479Ser; replaces arginine 479 with serine.
Molecular consequence: missense variant. On other transcripts: intron variant (2).
Genome position (GRCh38, 1-based): chr17:58,206,520, G>T on the plus strand (C>A on the coding strand, the complement: MKS1 is on the minus strand). VCF-style: chr17-58206520-G-T. GRCh37 (hg19) VCF-style: chr17-56283881-G-T.
Other names: c.826C>A, p.Arg276Ser (NM_001321268.2); c.1274-140C>A (NM_001330397.2); c.1408-140C>A (NM_001321269.2); short protein forms R479S, R276S.
Identifiers: ClinVar variation 4783166 (VCV004783166.1).
Genomic context (GRCh38, chr17:58,206,520, plus strand): 5'-CTCACCTGGACTGCTGCAGACAGTGCAAGCGGAAGGTGACAGTGCCTGTGGTCTCTGTGC[G>T]GAGTCCAAAGCGGCTCAGGCGTTCCCCCTGTGGCATGCCATTGGGACAGCCTCAGGTTTC-3'
Protein context (NP_060247.2, residues 469-489): KGERLSRFGL[Arg479Ser]TETTGTVTFR

ClinVar aggregate classification (germline): Uncertain significance (1 of 4 stars; one submission).

Conditions:
Meckel-Gruber syndrome. Also called: GRUBER SYNDROME; DYSENCEPHALIA SPLANCHNOCYSTICA; Dysencephalia splachnocystica. Identifiers: Orphanet 564, MedGen C0265215, MONDO:0018921.
Joubert syndrome. Also called: Familial aplasia of the vermis; JOUBERT-BOLTSHAUSER SYNDROME; CEREBELLOPARENCHYMAL DISORDER IV. Identifiers: Orphanet 475, MedGen C5979921, MONDO:0018772.

Submission:

Labcorp Genetics (formerly Invitae), Labcorp
Classification: Uncertain significance for Joubert syndrome; Meckel-Gruber syndrome. Last evaluated: 2025-11-15. Review status: criteria provided, single submitter. Criteria: Invitae Variant Classification Sherloc (09022015). Collection method: clinical testing. Allele origin: germline.
Comment: This sequence change replaces arginine, which is basic and polar, with serine, which is neutral and polar, at codon 479 of the MKS1 protein (p.Arg479Ser). This variant is not present in population databases (gnomAD no frequency). This variant has not been reported in the literature in individuals affected with MKS1-related conditions. Invitae Evidence Modeling of protein sequence and biophysical properties (such as structural, functional, and spatial information, amino acid conservation, physicochemical variation, residue mobility, and thermodynamic stability) indicates that this missense variant is not expected to disrupt MKS1 protein function with a negative predictive value of 80%. In summary, the available evidence is currently insufficient to determine the role of this variant in disease. Therefore, it has been classified as a Variant of Uncertain Significance.